The following is an entry in ClinVar:

NM_002335.4(LRP5):c.4446G>A (p.Ser1482=)

Gene: LRP5 (LDL receptor related protein 5; plus strand). Cytogenetic location: 11q13.2.
Variant type: single nucleotide variant.
Coding change: c.4446G>A on transcript NM_002335.4 (MANE Select); coding-DNA position 4446, G replaced by A.
Protein change: p.Ser1482=; no amino-acid change (serine 1482 retained).
Molecular consequence: synonymous variant.
Genome position (GRCh38, 1-based): chr11:68,439,874, G>A. VCF-style: chr11-68439874-G-A. GRCh37 (hg19) VCF-style: chr11-68207342-G-A.
Other names: c.2703G>A, p.Ser901= (NM_001291902.2).
Identifiers: ClinVar variation 1702023 (VCV001702023.10), dbSNP rs142191419, ClinGen allele CA6150363.

ClinVar aggregate classification (germline): Likely benign. Review status: criteria provided, multiple submitters, no conflicts (2 of 4 stars). 4 submissions from 4 submitters: Likely benign (4). Last evaluated 2025-08-11.

Conditions:
Osteogenesis imperfecta (OI). Identifiers: Orphanet 666, MedGen C0029434, MeSH D010013, MONDO:0019019.
LRP5-related disorder. Also called: LRP5-related condition.

Allele frequency attached by ClinVar (database versions not stated): ESP Exome Variant Server 0.00008.
gnomAD v4.1: 41 of 1,595,298 alleles (0.0026%); highest among the groups gnomAD compares: African/African-American, 0.012%; no homozygotes.

Submissions (4):

Labcorp Genetics (formerly Invitae), Labcorp
Classification: Likely benign. Last evaluated: 2025-08-11. Review status: criteria provided, single submitter. Criteria: Invitae Variant Classification Sherloc (09022015). Collection method: clinical testing. Allele origin: germline.

PreventionGenetics, part of Exact Sciences
Classification: Likely benign for LRP5-related condition. Last evaluated: 2025-06-02. Review status: criteria provided, single submitter. Criteria: ACMG Guidelines, 2015. Collection method: clinical testing. Allele origin: germline.
Comment: This variant is classified as likely benign based on ACMG/AMP sequence variant interpretation guidelines (Richards et al. 2015 PMID: 25741868, with internal and published modifications).

Blueprint Genetics
Classification: Likely benign. Last evaluated: 2024-11-26. Review status: criteria provided, single submitter. Criteria: ACMG Guidelines, 2015. Collection method: clinical testing. Allele origin: germline.

Genome Diagnostics Laboratory, The Hospital for Sick Children
Classification: Likely benign for Osteogenesis imperfecta. Last evaluated: 2021-08-10. Review status: criteria provided, single submitter. Criteria: ACMG Guidelines, 2015. Collection method: clinical testing. Allele origin: germline.